The following is an entry in ClinVar:

ClinVar aggregate classification (germline): Uncertain significance (1 of 4 stars; one submission).

Allele frequency attached by ClinVar (database versions not stated): gnomAD exomes below 0.00001.
gnomAD v4.1: 2 of 1,614,122 alleles (0.00012%); highest among the groups gnomAD compares: Non-Finnish European, 0.00017%; no homozygotes.

Submission:

Labcorp Genetics (formerly Invitae), Labcorp
Classification: Uncertain significance. Last evaluated: 2023-07-27. Review status: criteria provided, single submitter. Criteria: Invitae Variant Classification Sherloc (09022015). Collection method: clinical testing. Allele origin: germline.
Comment: In summary, the available evidence is currently insufficient to determine the role of this variant in disease. Therefore, it has been classified as a Variant of Uncertain Significance. An algorithm developed to predict the effect of missense changes on protein structure and function (PolyPhen-2) suggests that this variant is likely to be tolerated. This variant has not been reported in the literature in individuals affected with VCAN-related conditions. This variant is not present in population databases (gnomAD no frequency). This sequence change replaces proline, which is neutral and non-polar, with leucine, which is neutral and non-polar, at codon 392 of the VCAN protein (p.Pro392Leu).

NM_004385.5(VCAN):c.1175C>T (p.Pro392Leu)

Gene: VCAN (versican; plus strand). Cytogenetic location: 5q14.3.
Variant type: single nucleotide variant.
Coding change: c.1175C>T on transcript NM_004385.5 (MANE Select); coding-DNA position 1175, C replaced by T.
Protein change: p.Pro392Leu; replaces proline 392 with leucine.
Molecular consequence: missense variant. On other transcripts: intron variant (2).
Genome position (GRCh38, 1-based): chr5:83,519,481, C>T. VCF-style: chr5-83519481-C-T. GRCh37 (hg19) VCF-style: chr5-82815300-C-T.
Other names: c.1175C>T, p.Pro392Leu (NM_001164098.2); c.1042+7085C>T (NM_001164097.2, NM_001126336.3); short protein forms P392L.
Identifiers: ClinVar variation 2742744 (VCV002742744.3), dbSNP rs1247812877, ClinGen allele CA360299269.